The following is an entry in ClinVar:

ClinVar aggregate classification (germline): Uncertain significance (1 of 4 stars; one submission).

Allele frequency attached by ClinVar (database versions not stated): gnomAD exomes below 0.00001.

Submission:

Labcorp Genetics (formerly Invitae), Labcorp
Classification: Uncertain significance. Last evaluated: 2023-06-28. Review status: criteria provided, single submitter. Criteria: Invitae Variant Classification Sherloc (09022015). Collection method: clinical testing. Allele origin: germline.
Comment: In summary, the available evidence is currently insufficient to determine the role of this variant in disease. Therefore, it has been classified as a Variant of Uncertain Significance. An algorithm developed to predict the effect of missense changes on protein structure and function (PolyPhen-2) suggests that this variant is likely to be disruptive. This variant has not been reported in the literature in individuals affected with CDAN1-related conditions. This variant is not present in population databases (gnomAD no frequency). This sequence change replaces proline, which is neutral and non-polar, with histidine, which is basic and polar, at codon 561 of the CDAN1 protein (p.Pro561His).

NM_138477.4(CDAN1):c.1682C>A (p.Pro561His)

Gene: CDAN1 (codanin 1; minus strand). Cytogenetic location: 15q15.2.
Variant type: single nucleotide variant.
Coding change: c.1682C>A on transcript NM_138477.4 (MANE Select); coding-DNA position 1682, C replaced by A.
Protein change: p.Pro561His; replaces proline 561 with histidine.
Molecular consequence: missense variant.
Genome position (GRCh38, 1-based): chr15:42,731,677, G>T on the plus strand (C>A on the coding strand, the complement: CDAN1 is on the minus strand). VCF-style: chr15-42731677-G-T. GRCh37 (hg19) VCF-style: chr15-43023875-G-T.
Other names: short protein forms P561H.
Identifiers: ClinVar variation 2731387 (VCV002731387.3), dbSNP rs2506108855, ClinGen allele CA392045795.